The following is an entry in ClinVar:

ClinVar aggregate classification (germline): Likely pathogenic (1 of 4 stars; one submission).

Conditions:
Hereditary factor XI deficiency disease. Also called: Congenital factor XI deficiency; PLASMA THROMBOPLASTIN ANTECEDENT DEFICIENCY; PTA DEFICIENCY; ROSENTHAL SYNDROME. Identifiers: Orphanet 329, MedGen C0015523, MeSH D005173, MONDO:0012897, OMIM 612416.

Submission:

ISTH-SSC Genomics in Thrombosis and Hemostasis, KU Leuven, Center for Molecular and Vascular Biology
Classification: Likely pathogenic for Hereditary factor XI deficiency disease. Review status: criteria provided, single submitter. Criteria: ACMG Guidelines, 2015. Collection method: clinical testing. Allele origin: unknown. Affected: yes.
Comment: Submitter to GoldVariant: Kathleen Freson, Center for Molecular and Vascular Biology, Leuven, Belgium

Literature cited by the submitters: PubMed 34355501.

Single allele

Genes: MTNR1A (melatonin receptor 1A; minus strand), TRIML1 (tripartite motif family like 1; plus strand), TRIML2 (tripartite motif family like 2; minus strand), ZFP42 (ZFP42 zinc finger protein; plus strand), LINC01262 (long independently transcribed non-coding RNA 1262; plus strand) and 64 more. Cytogenetic location: 4q35.1-35.2.
Variant type: Deletion.
Identifiers: ClinVar variation 1703259 (VCV001703259.1).